The following is an entry in ClinVar:

ClinVar aggregate classification (germline): Uncertain significance (1 of 4 stars; one submission).

Allele frequency attached by ClinVar (database versions not stated): gnomAD exomes below 0.00001; TOPMed below 0.00001; ExAC 0.00001.
gnomAD v4.1: 1 of 1,613,012 alleles (0.000062%); highest among the groups gnomAD compares: Admixed American, 0.0017%; no homozygotes.

Submission:

Labcorp Genetics (formerly Invitae), Labcorp
Classification: Uncertain significance. Last evaluated: 2022-07-19. Review status: criteria provided, single submitter. Criteria: Invitae Variant Classification Sherloc (09022015). Collection method: clinical testing. Allele origin: germline.
Comment: This sequence change replaces tyrosine, which is neutral and polar, with cysteine, which is neutral and slightly polar, at codon 1131 of the PCDH15 protein (p.Tyr1131Cys). This variant is present in population databases (rs780384631, gnomAD 0.003%). This variant has not been reported in the literature in individuals affected with PCDH15-related conditions. Algorithms developed to predict the effect of missense changes on protein structure and function are either unavailable or do not agree on the potential impact of this missense change (SIFT: "Deleterious"; PolyPhen-2: "Probably Damaging"; Align-GVGD: "Class C0"). In summary, the available evidence is currently insufficient to determine the role of this variant in disease. Therefore, it has been classified as a Variant of Uncertain Significance.

NM_001384140.1(PCDH15):c.3392A>G (p.Tyr1131Cys)

Gene: PCDH15 (protocadherin related 15; minus strand). Cytogenetic location: 10q21.1.
Variant type: single nucleotide variant.
Coding change: c.3392A>G on transcript NM_001384140.1 (MANE Select); coding-DNA position 3392, A replaced by G.
Protein change: p.Tyr1131Cys; replaces tyrosine 1131 with cysteine.
Molecular consequence: missense variant.
Genome position (GRCh38, 1-based): chr10:53,903,352, T>C on the plus strand (A>G on the coding strand, the complement: PCDH15 is on the minus strand). VCF-style: chr10-53903352-T-C. GRCh37 (hg19) VCF-style: chr10-55663112-T-C.
Other names: c.3407A>G, p.Tyr1136Cys (NM_001142763.2, NM_001142771.2); c.3392A>G, p.Tyr1131Cys (NM_001142764.2, NM_001142766.2, NM_001142770.3 and 4 more transcripts); c.3179A>G, p.Tyr1060Cys (NM_001142765.2); c.3281A>G, p.Tyr1094Cys (NM_001142767.2); c.3326A>G, p.Tyr1109Cys (NM_001142768.2, NM_001142773.2, NM_001354404.2); c.3428A>G, p.Tyr1143Cys (NM_001142769.4); c.3413A>G, p.Tyr1138Cys (NM_001354411.2); short protein forms Y1060C, Y1094C, Y1138C, Y1109C, Y1131C, Y1136C, Y1143C.
Identifiers: ClinVar variation 2154719 (VCV002154719.1), dbSNP rs780384631, ClinGen allele CA5505676.